The following is an entry in ClinVar:

NM_003227.4(TFR2):c.1513G>A (p.Val505Met)

Gene: TFR2 (transferrin receptor 2; minus strand). Cytogenetic location: 7q22.1.
Variant type: single nucleotide variant.
Coding change: c.1513G>A on transcript NM_003227.4 (MANE Select); coding-DNA position 1513, G replaced by A.
Protein change: p.Val505Met; replaces valine 505 with methionine.
Molecular consequence: missense variant.
Genome position (GRCh38, 1-based): chr7:100,628,097, C>T on the plus strand (G>A on the coding strand, the complement: TFR2 is on the minus strand). VCF-style: chr7-100628097-C-T. GRCh37 (hg19) VCF-style: chr7-100225720-C-T.
Other names: c.1000G>A, p.Val334Met (NM_001206855.3); short protein forms V334M, V505M.
Identifiers: ClinVar variation 2417318 (VCV002417318.3), dbSNP rs148541221, ClinGen allele CA4386396.
Genomic context (GRCh38, chr7:100,628,097, plus strand): 5'-CCCAGGGGGCCAGGTGGTGGCACTGCCCCAGCTCACCCAGCACTGCGTTGTCCAGGCTCA[C>T]GTACACTACGGCTTTGAGGTGCAGCACGCTGAGGTAGCCCTGTGGGTGGGTGACCAGTGT-3'
Protein context (NP_003218.2, residues 495-515): SVLHLKAVVY[Val505Met]SLDNAVLGDD

ClinVar aggregate classification (germline): Uncertain significance (1 of 4 stars; one submission).

Conditions:
Hereditary hemochromatosis (HFE). Identifiers: MedGen C0392514, MONDO:0006507. Disease mechanism: loss of function.

Allele frequency attached by ClinVar (database versions not stated): gnomAD exomes 0.00020 and 0.00046; ExAC 0.00021; gnomAD 0.00026 and 0.00028; TOPMed 0.00028; ESP Exome Variant Server 0.00038.
gnomAD v4.1: 687 of 1,614,008 alleles (0.043%); highest among the groups gnomAD compares: Non-Finnish European, 0.057%; 1 homozygote.

Submission:

Labcorp Genetics (formerly Invitae), Labcorp
Classification: Uncertain significance for Hereditary hemochromatosis. Last evaluated: 2021-09-02. Review status: criteria provided, single submitter. Criteria: Invitae Variant Classification Sherloc (09022015). Collection method: clinical testing. Allele origin: germline.
Comment: This sequence change replaces valine with methionine at codon 505 of the TFR2 protein (p.Val505Met). The valine residue is highly conserved and there is a small physicochemical difference between valine and methionine. This variant is present in population databases (rs148541221, ExAC 0.04%). This variant has not been reported in the literature in individuals affected with TFR2-related conditions. Algorithms developed to predict the effect of missense changes on protein structure and function are either unavailable or do not agree on the potential impact of this missense change (SIFT: "Deleterious"; PolyPhen-2: "Possibly Damaging"; Align-GVGD: "Class C0"). In summary, the available evidence is currently insufficient to determine the role of this variant in disease. Therefore, it has been classified as a Variant of Uncertain Significance.